The following is an entry in ClinVar:

ClinVar aggregate classification (germline): Benign/Likely benign. Review status: criteria provided, multiple submitters, no conflicts (2 of 4 stars). 4 submissions from 4 submitters: Benign (3); Likely benign (1). Last evaluated 2026-04-21.

Conditions:
EPHB4-related disorder. Also called: EPHB4-related condition; EPHB4-related disorders.
Cardiovascular phenotype. Identifiers: MedGen CN230736.

Allele frequency attached by ClinVar (database versions not stated): gnomAD exomes 0.00027; gnomAD 0.00038; TOPMed 0.00052; ExAC 0.00097; 1000 Genomes Project 30x 0.00172; 1000 Genomes Project 0.00200.
gnomAD v4.1: 456 of 1,614,138 alleles (0.028%); highest among the groups gnomAD compares: East Asian, 0.97%; 2 homozygotes.

Submissions (4):

Ambry Genetics
Classification: Benign for Cardiovascular phenotype. Last evaluated: 2026-04-21. Review status: criteria provided, single submitter. Criteria: Ambry Variant Classification Scheme 2023. Collection method: clinical testing. Allele origin: germline.

PreventionGenetics, part of Exact Sciences
Classification: Benign for EPHB4-related condition. Last evaluated: 2026-01-15. Review status: criteria provided, single submitter. Criteria: ACMG Guidelines, 2015. Collection method: clinical testing. Allele origin: germline.
Comment: This variant is classified as benign based on ACMG/AMP sequence variant interpretation guidelines (Richards et al. 2015 PMID: 25741868, with internal and published modifications).

Labcorp Genetics (formerly Invitae), Labcorp
Classification: Benign. Last evaluated: 2026-01-06. Review status: criteria provided, single submitter. Criteria: Invitae Variant Classification Sherloc (09022015). Collection method: clinical testing. Allele origin: germline.

Blueprint Genetics
Classification: Likely benign. Last evaluated: 2024-09-09. Review status: criteria provided, single submitter. Criteria: ACMG Guidelines, 2015. Collection method: clinical testing. Allele origin: germline.

NM_004444.5(EPHB4):c.1728C>G (p.Asp576Glu)

Gene: EPHB4 (EPH receptor B4; minus strand). Cytogenetic location: 7q22.1.
Variant type: single nucleotide variant.
Coding change: c.1728C>G on transcript NM_004444.5 (MANE Select); coding-DNA position 1728, C replaced by G.
Protein change: p.Asp576Glu; replaces aspartic acid 576 with glutamic acid.
Molecular consequence: missense variant.
Genome position (GRCh38, 1-based): chr7:100,813,680, G>C on the plus strand (C>G on the coding strand, the complement: EPHB4 is on the minus strand). VCF-style: chr7-100813680-G-C. GRCh37 (hg19) VCF-style: chr7-100411302-G-C.
Other names: c.1728C>G (NM_004444.4); short protein forms D576E.
Identifiers: ClinVar variation 2065355 (VCV002065355.7), dbSNP rs36050247, ClinGen allele CA4392861.
Genomic context (GRCh38, chr7:100,813,680, plus strand): 5'-GCCCCTATTCCCATCAAATTAGGGCAACCCACCATGTCCGATGAGATACTGTCCGTGTTT[G>C]TCCGAATATTCTGCTTCTCTCCCATTGCTCTGCTTCCTGTAGCCGATGGGAAAGGAACAA-3'
Protein context (NP_004435.3, residues 566-586): QSNGREAEYS[Asp576Glu]KHGQYLIGHG